The following is an entry in ClinVar:

NM_001605.3(AARS1):c.2749A>C (p.Ser917Arg)

Gene: AARS1 (alanyl-tRNA synthetase 1; minus strand). Cytogenetic location: 16q22.1.
Variant type: single nucleotide variant.
Coding change: c.2749A>C on transcript NM_001605.3 (MANE Select); coding-DNA position 2749, A replaced by C.
Protein change: p.Ser917Arg; replaces serine 917 with arginine.
Molecular consequence: missense variant.
Genome position (GRCh38, 1-based): chr16:70,252,879, T>G on the plus strand (A>C on the coding strand, the complement: AARS1 is on the minus strand). VCF-style: chr16-70252879-T-G. GRCh37 (hg19) VCF-style: chr16-70286782-T-G.
Other names: short protein forms S917R.
Identifiers: ClinVar variation 1682087 (VCV001682087.8), dbSNP rs2152149427, ClinGen allele CA396554516.

ClinVar aggregate classification (germline): Uncertain significance (1 of 4 stars; one submission).

Conditions:
Charcot-Marie-Tooth disease type 2. Also called: Charcot-Marie-Tooth type 2. Identifiers: Orphanet 64746, MedGen C0270914, MONDO:0018993.

Submission:

Labcorp Genetics (formerly Invitae), Labcorp
Classification: Uncertain significance for Charcot-Marie-Tooth disease type 2. Last evaluated: 2023-10-05. Review status: criteria provided, single submitter. Criteria: Invitae Variant Classification Sherloc (09022015). Collection method: clinical testing. Allele origin: germline.
Comment: This sequence change replaces serine, which is neutral and polar, with arginine, which is basic and polar, at codon 917 of the AARS protein (p.Ser917Arg). This variant is not present in population databases (gnomAD no frequency). This variant has not been reported in the literature in individuals affected with AARS-related conditions. ClinVar contains an entry for this variant (Variation ID: 1682087). Advanced modeling of protein sequence and biophysical properties (such as structural, functional, and spatial information, amino acid conservation, physicochemical variation, residue mobility, and thermodynamic stability) performed at Invitae indicates that this missense variant is not expected to disrupt AARS protein function. In summary, the available evidence is currently insufficient to determine the role of this variant in disease. Therefore, it has been classified as a Variant of Uncertain Significance.